The following is an entry in ClinVar:

ClinVar aggregate classification (germline): Conflicting classifications of pathogenicity. Review status: criteria provided, conflicting classifications (1 of 4 stars). 2 submissions from 2 submitters: Likely pathogenic (1); Uncertain significance (1). Last evaluated 2021-05-25.

Conditions:
Blepharophimosis - intellectual disability syndrome, SBBYS type (SBBYSS). Also called: Say-Barber-Biesecker variant of Ohdo syndrome (SBBYSS); Say-Barber-Biesecker-Young-Simpson syndrome; Say-Barber-Biesecker-Young-Simpson variant of Ohdo Syndrome; Young Simpson syndrome; Mental retardation unusual facies hypothyroidism; Say-Barber-Biesecker Variant of Ohdo Syndrome. Identifiers: Orphanet 3047, MedGen C1863557, MONDO:0011365, OMIM 603736.

Submissions (2):

CENTOGENE GmbH and LLC - Guiding Precision Medicine
Classification: Likely pathogenic for Blepharophimosis - intellectual disability syndrome, SBBYS type. Last evaluated: 2021-05-25. Review status: criteria provided, single submitter. Criteria: ACMG Guidelines, 2015. Collection method: clinical testing. Allele origin: de novo. Affected: yes.

GeneDx
Classification: Uncertain significance. Last evaluated: 2020-10-21. Review status: criteria provided, single submitter. Criteria: GeneDx Variant Classification Process June 2021. Collection method: clinical testing. Allele origin: germline. Affected: yes.
Comment: Not observed in large population cohorts (Lek et al., 2016); In silico analysis supports a deleterious effect on splicing; Has not been previously published as pathogenic or benign to our knowledge

NM_012330.4(KAT6B):c.3022-5C>G

Gene: KAT6B (lysine acetyltransferase 6B; plus strand). Cytogenetic location: 10q22.2.
Variant type: single nucleotide variant.
Coding change: c.3022-5C>G on transcript NM_012330.4 (MANE Select); 5 bases into the intron before coding-DNA position 3022, C replaced by G.
Molecular consequence: intron variant.
Genome position (GRCh38, 1-based): chr10:75,021,876, C>G. VCF-style: chr10-75021876-C-G. GRCh37 (hg19) VCF-style: chr10-76781634-C-G.
Other names: c.1957-5C>G (NM_001370144.1, NM_001370143.1); c.679-5C>G (NM_001370135.1); c.2146-5C>G (NM_001370142.1, NM_001370141.1, NM_001256469.2 and 2 more transcripts); c.937-5C>G (NM_001370134.1); c.3022-5C>G (NM_001370137.1, NM_001370136.1); c.2473-5C>G (NM_001256468.2, NM_001370138.1); c.1984-5C>G (NM_001370132.1); c.1333-5C>G (NM_001370133.1).
Identifiers: ClinVar variation 1313431 (VCV001313431.3), dbSNP rs2134165271, ClinGen allele CA2573053304.